The following is an entry in ClinVar:

ClinVar aggregate classification (germline): Uncertain significance (1 of 4 stars; one submission).

Allele frequency attached by ClinVar (database versions not stated): gnomAD exomes below 0.00001.
gnomAD v4.1: 5 of 1,613,818 alleles (0.00031%); highest among the groups gnomAD compares: Non-Finnish European, 0.00042%; no homozygotes.

Submissions (2):

Ambry Genetics
Classification: Uncertain significance. Last evaluated: 2023-01-16. Review status: criteria provided, single submitter. Criteria: Ambry Variant Classification Scheme 2023. Collection method: clinical testing. Allele origin: germline.
Comment: The p.L920V variant (also known as c.2758C>G), located in coding exon 15 of the PALLD gene, results from a C to G substitution at nucleotide position 2758. The leucine at codon 920 is replaced by valine, an amino acid with highly similar properties. This amino acid position is conserved. In addition, this alteration is predicted to be tolerated by in silico analysis. Since supporting evidence is limited at this time, the clinical significance of this alteration remains unclear.

Dr. Peter K. Rogan Lab, Western University
No classification provided (evidence only). Condition: Cervical cancer. Review status: no classification provided. Collection method: in vitro. Allele origin: not applicable. Functional consequence: retained intron. Not counted in ClinVar's aggregate classification.

NM_001166108.2(PALLD):c.2809C>G (p.Leu937Val)

Genes: CBR4 (carbonyl reductase 4; minus strand), PALLD (palladin, cytoskeletal associated protein; plus strand). Cytogenetic location: 4q32.3.
Variant type: single nucleotide variant.
Coding change: c.2809C>G on transcript NM_001166108.2 (MANE Select); coding-DNA position 2809, C replaced by G.
Protein change: p.Leu937Val; replaces leucine 937 with valine.
Molecular consequence: missense variant.
Genome position (GRCh38, 1-based): chr4:168,915,986, C>G. VCF-style: chr4-168915986-C-G. GRCh37 (hg19) VCF-style: chr4-169837137-C-G.
Other names: NC_000004.11:g.169837137C>G; c.1612C>G, p.Leu538Val (NM_001166109.2); c.1297C>G, p.Leu433Val (NM_001166110.2); c.637C>G, p.Leu213Val (NM_001367567.1, NM_001367569.1); c.688C>G, p.Leu230Val (NM_001367568.1, NM_001367570.1); c.2758C>G, p.Leu920Val (NM_016081.4); short protein forms L213V, L937V, L230V, L433V, L920V, L538V.
Identifiers: ClinVar variation 2447305 (VCV002447305.3), dbSNP rs1760003825, ClinGen allele CA358706858.